The following is an entry in ClinVar:

ClinVar aggregate classification (germline): Pathogenic/Likely pathogenic. Review status: criteria provided, multiple submitters, no conflicts (2 of 4 stars). 3 submissions from 3 submitters: Pathogenic (1); Likely pathogenic (2). Last evaluated 2025-09-02.

Conditions:
Retinitis pigmentosa 25 (RP25). Identifiers: Orphanet 791, MedGen C1864446, MONDO:0011272, OMIM 602772.

Allele frequency attached by ClinVar (database versions not stated): ExAC 0.00005; gnomAD exomes below 0.00001 and 0.00001.
gnomAD v4.1: 2 of 1,551,210 alleles (0.00013%); highest among the groups gnomAD compares: Non-Finnish European, 0.00017%; no homozygotes.

Submissions (3):

Labcorp Genetics (formerly Invitae), Labcorp
Classification: Pathogenic. Last evaluated: 2025-09-02. Review status: criteria provided, single submitter. Criteria: Invitae Variant Classification Sherloc (09022015). Collection method: clinical testing. Allele origin: germline.
Comment: This sequence change creates a premature translational stop signal (p.Trp1837*) in the EYS gene. It is expected to result in an absent or disrupted protein product. Loss-of-function variants in EYS are known to be pathogenic (PMID: 18836446, 20333770). This variant is present in population databases (rs745574120, gnomAD 0.004%). This variant has not been reported in the literature in individuals affected with EYS-related conditions. ClinVar contains an entry for this variant (Variation ID: 1071606). For these reasons, this variant has been classified as Pathogenic.

Natera, Inc.
Classification: Likely pathogenic for Retinitis pigmentosa type 25. Last evaluated: 2025-08-20. Review status: criteria provided, single submitter. Criteria: Natera Variant Classification Schema (03/2026). Collection method: clinical testing. Allele origin: germline.
Comment: The c.5511G>A variant in EYS is a nonsense variant predicted to introduce a stop codon at amino acid 1837. This variant is expected to result in nonsense mediated decay, truncation, or a dysfunctional protein product. This variant is rare in the general population with a frequency below the threshold expected for the associated phenotype(s). Given the available evidence, this variant is classified as Likely Pathogenic.

Baylor Genetics
Classification: Likely pathogenic for Retinitis pigmentosa 25. Last evaluated: 2022-07-24. Review status: criteria provided, single submitter. Criteria: ACMG Guidelines, 2015. Collection method: clinical testing. Allele origin: unknown.

Literature cited by the submitters: PubMed 18836446 (cited by Labcorp Genetics (formerly Invitae), Labcorp); PubMed 20333770 (cited by Labcorp Genetics (formerly Invitae), Labcorp).

NM_001142800.2(EYS):c.5511G>A (p.Trp1837Ter)

Gene: EYS (EGF-like photoreceptor maintenance factor; minus strand). Cytogenetic location: 6q12.
Variant type: single nucleotide variant.
Coding change: c.5511G>A on transcript NM_001142800.2 (MANE Select); coding-DNA position 5511, G replaced by A.
Protein change: p.Trp1837Ter; replaces tryptophan 1837 with a stop codon.
Molecular consequence: nonsense.
Genome position (GRCh38, 1-based): chr6:64,590,356, C>T on the plus strand (G>A on the coding strand, the complement: EYS is on the minus strand). VCF-style: chr6-64590356-C-T. GRCh37 (hg19) VCF-style: chr6-65300249-C-T.
Other names: c.5511G>A, p.Trp1837Ter (NM_001292009.2); c.5511G>A (NM_001142800.1); short protein forms W1837*.
Identifiers: ClinVar variation 1071606 (VCV001071606.9), dbSNP rs745574120, ClinGen allele CA3877011.